The following is an entry in ClinVar:

NM_006885.4(ZFHX3):c.9824C>T (p.Pro3275Leu)

Genes: ZFHX3 (zinc finger homeobox 3; minus strand), ZFHX3-AS1 (ZFHX3 antisense RNA 1; plus strand). Cytogenetic location: 16q22.2.
Variant type: single nucleotide variant.
Coding change: c.9824C>T on transcript NM_006885.4 (MANE Select); coding-DNA position 9824, C replaced by T.
Protein change: p.Pro3275Leu; replaces proline 3275 with leucine.
Molecular consequence: missense variant.
Genome position (GRCh38, 1-based): chr16:72,788,452, G>A on the plus strand (C>T on the coding strand, the complement: ZFHX3 is on the minus strand). VCF-style: chr16-72788452-G-A. GRCh37 (hg19) VCF-style: chr16-72822351-G-A.
Other names: c.9824C>T (NM_006885.3); c.7082C>T, p.Pro2361Leu (NM_001164766.2); c.9824C>T, p.Pro3275Leu (NM_001386735.1); short protein forms P2361L, P3275L.
Identifiers: ClinVar variation 2646817 (VCV002646817.25), dbSNP rs62639993, ClinGen allele CA8162740.

ClinVar aggregate classification (germline): Conflicting classifications of pathogenicity. Review status: criteria provided, conflicting classifications (1 of 4 stars). 2 submissions from 2 submitters: Uncertain significance (1); Likely benign (1). Last evaluated 2023-09-01.

Allele frequency attached by ClinVar (database versions not stated): 1000 Genomes Project 30x 0.00016; 1000 Genomes Project 0.00020; ESP Exome Variant Server 0.00023; ExAC 0.00036; gnomAD 0.00058; TOPMed 0.00061.
gnomAD v4.1: 476 of 1,614,248 alleles (0.029%); highest among the groups gnomAD compares: Admixed American, 0.16%; 1 homozygote.

Submissions (2):

CeGaT Center for Human Genetics Tuebingen
Classification: Likely benign. Last evaluated: 2023-09-01. Review status: criteria provided, single submitter. Criteria: CeGaT Center For Human Genetics Tuebingen Variant Classification Criteria Version 2. Collection method: clinical testing. Allele origin: germline. Affected: yes. Observed: 1 variant allele.
Comment: ZFHX3: BS1

Ambry Genetics
Classification: Uncertain significance. Last evaluated: 2021-10-26. Review status: criteria provided, single submitter. Criteria: Ambry Variant Classification Scheme 2023. Collection method: clinical testing. Allele origin: germline.